The following is an entry in ClinVar:

NM_016038.4(SBDS):c.64C>T (p.Arg22Cys)

Gene: SBDS (SBDS ribosome maturation factor; minus strand). Cytogenetic location: 7q11.21.
Variant type: single nucleotide variant.
Coding change: c.64C>T on transcript NM_016038.4 (MANE Select); coding-DNA position 64, C replaced by T.
Protein change: p.Arg22Cys; replaces arginine 22 with cysteine.
Molecular consequence: missense variant.
Genome position (GRCh38, 1-based): chr7:66,995,354, G>A on the plus strand (C>T on the coding strand, the complement: SBDS is on the minus strand). VCF-style: chr7-66995354-G-A. GRCh37 (hg19) VCF-style: chr7-66460341-G-A.
Other names: short protein forms R22C.
Identifiers: ClinVar variation 3437532 (VCV003437532.2).

ClinVar aggregate classification (germline): Uncertain significance. Review status: criteria provided, multiple submitters, no conflicts (2 of 4 stars). 2 submissions from 2 submitters: Uncertain significance (2). Last evaluated 2024-11-28.

Conditions:
Inborn genetic diseases. Identifiers: MedGen C0950123, MeSH D030342.

Submissions (2):

Ambry Genetics
Classification: Uncertain significance for Inborn genetic diseases. Last evaluated: 2024-11-28. Review status: criteria provided, single submitter. Criteria: Ambry Variant Classification Scheme 2023. Collection method: clinical testing. Allele origin: germline.
Comment: The p.R22C variant (also known as c.64C>T), located in coding exon 1 of the SBDS gene, results from a C to T substitution at nucleotide position 64. The arginine at codon 22 is replaced by cysteine, an amino acid with highly dissimilar properties. This amino acid position is conserved. In addition, the in silico prediction for this alteration is inconclusive. Based on the available evidence, the clinical significance of this variant remains unclear.

Blueprint Genetics
Classification: Uncertain significance. Last evaluated: 2023-02-13. Review status: criteria provided, single submitter. Criteria: ACMG Guidelines, 2015. Collection method: clinical testing. Allele origin: germline.